The following is an entry in ClinVar:

NM_003368.5(USP1):c.1996A>G (p.Ile666Val)

Gene: USP1 (ubiquitin specific peptidase 1; plus strand). Cytogenetic location: 1p31.3.
Variant type: single nucleotide variant.
Coding change: c.1996A>G on transcript NM_003368.5 (MANE Select); coding-DNA position 1996, A replaced by G.
Protein change: p.Ile666Val; replaces isoleucine 666 with valine.
Molecular consequence: missense variant.
Genome position (GRCh38, 1-based): chr1:62,450,619, A>G. VCF-style: chr1-62450619-A-G. GRCh37 (hg19) VCF-style: chr1-62916290-A-G.
Other names: c.1996A>G, p.Ile666Val (NM_001017415.2, NM_001017416.2); short protein forms I666V.
Identifiers: ClinVar variation 2638861 (VCV002638861.24), dbSNP rs141001844, ClinGen allele CA885106.
Genomic context (GRCh38, chr1:62,450,619, plus strand): 5'-ATTAGAGTTGGTGGAAATACACAGCCAAGTAAAGTTTTGAACAAAAAAAATGTAGAAGCT[A>G]TTGGACTTCTTGGAGGACAAAAGAGCAAAGCAGATTATGAGCTATACAACAAAGCCTCTA-3'
Protein context (NP_003359.3, residues 656-676): KVLNKKNVEA[Ile666Val]GLLGGQKSKA

ClinVar aggregate classification (germline): Likely benign (1 of 4 stars; one submission).

Allele frequency attached by ClinVar (database versions not stated): ESP Exome Variant Server 0.00131; gnomAD 0.00179; gnomAD exomes 0.00186; 1000 Genomes Project 30x 0.00219; 1000 Genomes Project 0.00220; TOPMed 0.00239; ExAC 0.00298.
gnomAD v4.1: 3,212 of 1,614,146 alleles (0.2%); highest among the groups gnomAD compares: Middle Eastern, 3.1%; 32 homozygotes.

Submission:

CeGaT Center for Human Genetics Tuebingen
Classification: Likely benign. Last evaluated: 2023-03-01. Review status: criteria provided, single submitter. Criteria: CeGaT Center For Human Genetics Tuebingen Variant Classification Criteria Version 2. Collection method: clinical testing. Allele origin: germline. Affected: yes. Observed: 1 variant allele.
Comment: USP1: BP4, BS2